The following is an entry in ClinVar:

ClinVar aggregate classification (germline): Uncertain significance (1 of 4 stars; one submission).

Conditions:
Perlman syndrome (PRLMNS). Identifiers: Orphanet 2849, MedGen C0796113, MONDO:0009965, OMIM 267000.

Allele frequency attached by ClinVar (database versions not stated): gnomAD exomes below 0.00001.
gnomAD v4.1: 4 of 1,614,134 alleles (0.00025%); highest among the groups gnomAD compares: South Asian, 0.0044%; no homozygotes.

Submission:

Labcorp Genetics (formerly Invitae), Labcorp
Classification: Uncertain significance for Perlman syndrome. Last evaluated: 2021-12-08. Review status: criteria provided, single submitter. Criteria: Invitae Variant Classification Sherloc (09022015). Collection method: clinical testing. Allele origin: germline.
Comment: This sequence change replaces alanine, which is neutral and non-polar, with serine, which is neutral and polar, at codon 168 of the DIS3L2 protein (p.Ala168Ser). This variant is not present in population databases (gnomAD no frequency). This variant has not been reported in the literature in individuals affected with DIS3L2-related conditions. ClinVar contains an entry for this variant (Variation ID: 531956). Algorithms developed to predict the effect of missense changes on protein structure and function are either unavailable or do not agree on the potential impact of this missense change (SIFT: "Tolerated"; PolyPhen-2: "Possibly Damaging"; Align-GVGD: "Class C0"). In summary, the available evidence is currently insufficient to determine the role of this variant in disease. Therefore, it has been classified as a Variant of Uncertain Significance.

NM_152383.5(DIS3L2):c.502G>T (p.Ala168Ser)

Gene: DIS3L2 (DIS3 like 3'-5' exoribonuclease 2; plus strand). Cytogenetic location: 2q37.1.
Variant type: single nucleotide variant.
Coding change: c.502G>T on transcript NM_152383.5 (MANE Select); coding-DNA position 502, G replaced by T.
Protein change: p.Ala168Ser; replaces alanine 168 with serine.
Molecular consequence: missense variant. On other transcripts: non-coding transcript variant (2).
Genome position (GRCh38, 1-based): chr2:232,087,622, G>T. VCF-style: chr2-232087622-G-T. GRCh37 (hg19) VCF-style: chr2-232952332-G-T.
Other names: c.502G>T, p.Ala168Ser (NM_001257281.2, NM_001257282.2); short protein forms A168S.
Identifiers: ClinVar variation 531956 (VCV000531956.6), dbSNP rs1553606126, ClinGen allele CA351155116.